The following is an entry in ClinVar:

NM_014319.5(LEMD3):c.2056G>A (p.Glu686Lys)

Gene: LEMD3 (LEM domain containing 3; plus strand). Cytogenetic location: 12q14.3.
Variant type: single nucleotide variant.
Coding change: c.2056G>A on transcript NM_014319.5 (MANE Select); coding-DNA position 2056, G replaced by A.
Protein change: p.Glu686Lys; replaces glutamic acid 686 with lysine.
Molecular consequence: missense variant.
Genome position (GRCh38, 1-based): chr12:65,240,168, G>A. VCF-style: chr12-65240168-G-A. GRCh37 (hg19) VCF-style: chr12-65633948-G-A.
Other names: c.2053G>A, p.Glu685Lys (NM_001167614.2); short protein forms E685K, E686K.
Identifiers: ClinVar variation 722396 (VCV000722396.12), dbSNP rs147072982, ClinGen allele CA6671124.

ClinVar aggregate classification (germline): Likely benign. Review status: criteria provided, single submitter (1 of 4 stars). 2 submissions from 2 submitters: Likely benign (1). 1 of the submissions does not count toward it. Last evaluated 2025-12-15.

Conditions:
LEMD3-related disorder. Also called: LEMD3-related condition.

Allele frequency attached by ClinVar (database versions not stated): gnomAD exomes 0.00006 and 0.00016; ExAC 0.00021; 1000 Genomes Project 0.00040; 1000 Genomes Project 30x 0.00047; ESP Exome Variant Server 0.00062; gnomAD 0.00068 and 0.00073; TOPMed 0.00070.
gnomAD v4.1: 195 of 1,613,726 alleles (0.012%); highest among the groups gnomAD compares: African/African-American, 0.23%; no homozygotes.

Submissions (2):

Labcorp Genetics (formerly Invitae), Labcorp
Classification: Likely benign. Last evaluated: 2025-12-15. Review status: criteria provided, single submitter. Criteria: Invitae Variant Classification Sherloc (09022015). Collection method: clinical testing. Allele origin: germline.

PreventionGenetics, part of Exact Sciences
Classification: Likely benign for LEMD3-related condition. Last evaluated: 2019-08-30. Review status: no assertion criteria provided. Collection method: clinical testing. Allele origin: germline. Not counted in ClinVar's aggregate classification.
Comment: This variant is classified as likely benign based on ACMG/AMP sequence variant interpretation guidelines (Richards et al. 2015 PMID: 25741868, with internal and published modifications).